The following is an entry in ClinVar:

ClinVar aggregate classification (germline): Uncertain significance (1 of 4 stars; one submission).

Conditions:
Brugada syndrome 8 (BRGDA8). Identifiers: Orphanet 130, MedGen C2751083, MONDO:0013148, OMIM 613123.

Submission:

Labcorp Genetics (formerly Invitae), Labcorp
Classification: Uncertain significance for Brugada syndrome 8. Last evaluated: 2026-01-12. Review status: criteria provided, single submitter. Criteria: Invitae Variant Classification Sherloc (09022015). Collection method: clinical testing. Allele origin: germline.
Comment: This sequence change replaces arginine, which is basic and polar, with threonine, which is neutral and polar, at codon 824 of the HCN4 protein (p.Arg824Thr). This variant is not present in population databases (gnomAD no frequency). This variant has not been reported in the literature in individuals affected with HCN4-related conditions. Invitae Evidence Modeling of protein sequence and biophysical properties (such as structural, functional, and spatial information, amino acid conservation, physicochemical variation, residue mobility, and thermodynamic stability) indicates that this missense variant is not expected to disrupt HCN4 protein function with a negative predictive value of 95%. In summary, the available evidence is currently insufficient to determine the role of this variant in disease. Therefore, it has been classified as a Variant of Uncertain Significance.

NM_005477.3(HCN4):c.2471G>C (p.Arg824Thr)

Gene: HCN4 (hyperpolarization activated cyclic nucleotide gated potassium channel 4; minus strand). Cytogenetic location: 15q24.1.
Variant type: single nucleotide variant.
Coding change: c.2471G>C on transcript NM_005477.3 (MANE Select); coding-DNA position 2471, G replaced by C.
Protein change: p.Arg824Thr; replaces arginine 824 with threonine.
Molecular consequence: missense variant.
Genome position (GRCh38, 1-based): chr15:73,323,622, C>G on the plus strand (G>C on the coding strand, the complement: HCN4 is on the minus strand). VCF-style: chr15-73323622-C-G. GRCh37 (hg19) VCF-style: chr15-73615963-C-G.
Other names: short protein forms R824T.
Identifiers: ClinVar variation 4743972 (VCV004743972.1).